The following is an entry in ClinVar:

ClinVar aggregate classification (germline): Conflicting classifications of pathogenicity. Review status: criteria provided, conflicting classifications (1 of 4 stars). 2 submissions from 2 submitters: Uncertain significance (1); Likely benign (1). Last evaluated 2023-03-23.

Conditions:
Hereditary cancer-predisposing syndrome. Also called: Tumor predisposition; Hereditary Cancer Syndrome; Neoplastic Syndromes, Hereditary; Hereditary neoplastic syndrome. Identifiers: Orphanet 140162, MedGen C0027672, MeSH D009386, MONDO:0015356.

Submissions (2):

University of Washington Department of Laboratory Medicine, University of Washington
Classification: Likely benign for Hereditary cancer-predisposing syndrome. Last evaluated: 2023-03-23. Review status: criteria provided, single submitter. Criteria: Dines et al. (Genet Med. 2020). Collection method: curation. Allele origin: germline.
Comment: Missense variant in a coldspot region where missense variants are very unlikely to be pathogenic (PMID:31911673).

BRCA1 coldspot (exon 11 using historical exon numbering). Reclassification based on statistical prior probability

Ambry Genetics
Classification: Uncertain significance for Hereditary cancer-predisposing syndrome. Last evaluated: 2020-12-17. Review status: criteria provided, single submitter. Criteria: Ambry Variant Classification Scheme 2023. Collection method: clinical testing. Allele origin: germline.
Comment: The p.G928V variant (also known as c.2783G>T), located in coding exon 9 of the BRCA1 gene, results from a G to T substitution at nucleotide position 2783. The glycine at codon 928 is replaced by valine, an amino acid with dissimilar properties. This amino acid position is not well conserved in available vertebrate species. In addition, the in silico prediction for this alteration is inconclusive. Since supporting evidence is limited at this time, the clinical significance of this alteration remains unclear.

NM_007294.4(BRCA1):c.2783G>T (p.Gly928Val)

Gene: BRCA1 (BRCA1 DNA repair associated; minus strand). Cytogenetic location: 17q21.31.
Variant type: single nucleotide variant.
Coding change: c.2783G>T on transcript NM_007294.4 (MANE Select); coding-DNA position 2783, G replaced by T.
Protein change: p.Gly928Val; replaces glycine 928 with valine.
Molecular consequence: missense variant. On other transcripts: intron variant (137).
Genome position (GRCh38, 1-based): chr17:43,092,748, C>A on the plus strand (G>T on the coding strand, the complement: BRCA1 is on the minus strand). VCF-style: chr17-43092748-C-A. GRCh37 (hg19) VCF-style: chr17-41244765-C-A.
Other names: c.2780G>T, p.Gly927Val (NM_001407590.1, NM_001407591.1, NM_001407610.1 and 22 more transcripts); c.2783G>T, p.Gly928Val (NM_001407593.1, NM_001407594.1, NM_001407596.1 and 30 more transcripts); c.2774G>T, p.Gly925Val (NM_001407646.1, NM_001407647.1); c.2660G>T, p.Gly887Val (NM_001407648.1, NM_001407664.1, NM_001407665.1 and 19 more transcripts); c.2657G>T, p.Gly886Val (NM_001407649.1, NM_001407670.1, NM_001407671.1 and 11 more transcripts); c.2705G>T, p.Gly902Val (NM_001407653.1, NM_001407654.1, NM_001407655.1 and 4 more transcripts); c.2702G>T, p.Gly901Val (NM_001407659.1, NM_001407660.1, NM_001407661.1 and 1 more transcripts); c.2642G>T, p.Gly881Val (NM_001407692.1, NM_001407694.1, NM_001407695.1 and 29 more transcripts); and 41 more; short protein forms G760V, G816V, G880V, G886V, G801V, G839V, G840V, G860V.
Identifiers: ClinVar variation 1795965 (VCV001795965.4), dbSNP rs202004680, ClinGen allele CA10596427.
Genomic context (GRCh38, chr17:43,092,748, plus strand): 5'-CCTTTGATACTACATTTGGCATTATCAACTGGCTTATCTTTCTGACCAACCACAGGAAAG[C>A]CTGCAGTGATATTAACTGTCTGTACAGGCTTGATATTAGACTCATTCTTTCCTTGATTTT-3'
Protein context (NP_009225.1, residues 918-938): KPVQTVNITA[Gly928Val]FPVVGQKDKP